The following is an entry in ClinVar:

ClinVar aggregate classification (germline): Pathogenic/Likely pathogenic. Review status: criteria provided, multiple submitters, no conflicts (2 of 4 stars). 5 submissions from 5 submitters: Pathogenic (1); Likely pathogenic (3). 1 of the submissions does not count toward it. Last evaluated 2025-12-09.

Conditions:
FGF3-related disorder. Also called: FGF3-related condition.
Deafness with labyrinthine aplasia, microtia, and microdontia. Also called: DEAFNESS WITH LAMM; DEAFNESS, CONGENITAL, WITH LABYRINTHINE APLASIA, MICROTIA, AND MICRODONTIA; Congenital Deafness with Inner Ear Agenesis, Microtia, and Microdontia. Identifiers: Orphanet 90024, MedGen C1853144, MONDO:0012541, OMIM 610706.

Allele frequency attached by ClinVar (database versions not stated): gnomAD exomes below 0.00001; TOPMed 0.00003.

Submissions (5):

Genetics Research Center, University of Social Welfare and Rehabilitation Sciences
Classification: Likely pathogenic for Deafness with labyrinthine aplasia, microtia, and microdontia. Last evaluated: 2025-12-09. Review status: criteria provided, single submitter. Criteria: ACMG Guidelines, 2015. Collection method: research. Allele origin: germline. Affected: yes.
Comment: The variant is present at a very low frequency in the gnomAD v2.1.1 dataset (allele frequency: 0.001%) and has been reported in individual(s) affected with FGF3-related hearing loss (PMID: 36934406). It is a premature termination codon expected to result in an absent or disrupted protein product.

Labcorp Genetics (formerly Invitae), Labcorp
Classification: Pathogenic. Last evaluated: 2024-11-27. Review status: criteria provided, single submitter. Criteria: Invitae Variant Classification Sherloc (09022015). Collection method: clinical testing. Allele origin: germline.
Comment: This sequence change creates a premature translational stop signal (p.Trp16Glyfs*63) in the FGF3 gene. It is expected to result in an absent or disrupted protein product. Loss-of-function variants in FGF3 are known to be pathogenic (PMID: 18435799). This variant is present in population databases (no rsID available, gnomAD 0.007%). This premature translational stop signal has been observed in individual(s) with FGF3-related conditions (PMID: 36934406). ClinVar contains an entry for this variant (Variation ID: 2413091). For these reasons, this variant has been classified as Pathogenic.

Mayo Clinic Laboratories, Mayo Clinic
Classification: Likely pathogenic. Last evaluated: 2023-03-15. Review status: criteria provided, single submitter. Criteria: ACMG Guidelines, 2015. Collection method: clinical testing. Allele origin: germline. Observed: 1 variant allele.
Comment: PM2, PVS1

GeneDx
Classification: Likely pathogenic. Last evaluated: 2023-01-24. Review status: criteria provided, single submitter. Criteria: GeneDx Variant Classification Process June 2021. Collection method: clinical testing. Allele origin: germline. Affected: yes.
Comment: Frameshift variant predicted to result in protein truncation or nonsense mediated decay in a gene for which loss-of-function is a known mechanism of disease; Not observed at significant frequency in large population cohorts (gnomAD); Has not been previously published as pathogenic or benign to our knowledge

PreventionGenetics, part of Exact Sciences
Classification: Likely pathogenic for FGF3-related condition. Last evaluated: 2024-04-12. Review status: no assertion criteria provided. Collection method: clinical testing. Allele origin: germline. Not counted in ClinVar's aggregate classification.
Comment: The FGF3 c.45delC variant is predicted to result in a frameshift and premature protein termination (p.Gly15Glyfs*64). This variant has not been reported in the literature. This variant is reported in 0.0069% of alleles in individuals of Latino descent in gnomAD. Frameshift variants in FGF3 are expected to be pathogenic. This variant is interpreted as likely pathogenic.

Literature cited by the submitters: PubMed 36934406 (cited by Genetics Research Center, University of Social Welfare and Rehabilitation Sciences and Labcorp Genetics (formerly Invitae), Labcorp); PubMed 18435799 (cited by Labcorp Genetics (formerly Invitae), Labcorp).

NM_005247.4(FGF3):c.45del (p.Trp16fs)

Genes: FGF3 (fibroblast growth factor 3; minus strand), LOC109115964 (FGF3 5' regulatory region; plus strand). Cytogenetic location: 11q13.3.
Variant type: Deletion.
Coding change: c.45del on transcript NM_005247.4 (MANE Select); coding-DNA position 45, one base deleted (C; older notation c.45delC).
Protein change: p.Trp16fs; shifts the reading frame from tryptophan 16.
Molecular consequence: frameshift variant.
Genome position (GRCh38, 1-based): chr11:69,818,889, G deleted on the plus strand (C on the coding strand, the reverse complement: FGF3 is on the minus strand). VCF-style (leftmost placement, unchanged base first): chr11-69818888-AG-A. GRCh37 (hg19) VCF-style: chr11-69633656-AG-A.
Other names: p.Trp16Glyfs*63; c.45delC (NM_005247.2); short protein forms W16fs.
Identifiers: ClinVar variation 2413091 (VCV002413091.9), dbSNP rs1434810965, ClinGen allele CA600240481.